The following is an entry in ClinVar:

NM_014991.6(WDFY3):c.304+3A>G

Gene: WDFY3 (WD repeat and FYVE domain containing 3; minus strand). Cytogenetic location: 4q21.23.
Variant type: single nucleotide variant.
Coding change: c.304+3A>G on transcript NM_014991.6 (MANE Select); 3 bases into the intron after coding-DNA position 304, A replaced by G.
Molecular consequence: intron variant.
Genome position (GRCh38, 1-based): chr4:84,849,899, T>C on the plus strand (A>G on the coding strand, the complement: WDFY3 is on the minus strand). VCF-style: chr4-84849899-T-C. GRCh37 (hg19) VCF-style: chr4-85771052-T-C.
Identifiers: ClinVar variation 4076313 (VCV004076313.3).

ClinVar aggregate classification (germline): Uncertain significance. Review status: criteria provided, multiple submitters, no conflicts (2 of 4 stars). 2 submissions from 2 submitters: Uncertain significance (2). Last evaluated 2026-03-06.

Conditions:
Microcephaly 18, primary, autosomal dominant (MCPH18). Identifiers: MedGen C4479608, MONDO:0054593, OMIM 617520.

Submissions (2):

Dasa
Classification: Uncertain significance. Last evaluated: 2026-03-06. Review status: criteria provided, single submitter. Criteria: DASA Assertion Criteria. Collection method: clinical testing. Allele origin: germline.
Comment: NM_014991.6(WDFY3):c.304+3A>G is a splice-region variant predicted to affect normal RNA splicing. This variant is rare in population databases. Computational prediction algorithms are consistent with a deleterious effect. The currently available literature and clinical evidence are not sufficient to establish a definitive association between this variant and the reported condition. Therefore, this variant is classified as a variant of uncertain significance.

Laboratorio de Genetica e Diagnostico Molecular, Hospital Israelita Albert Einstein
Classification: Uncertain significance for Microcephaly 18, primary, autosomal dominant. Last evaluated: 2023-09-06. Review status: criteria provided, single submitter. Criteria: ACMG Guidelines, 2015. Collection method: clinical testing. Allele origin: germline. Affected: yes.
Comment: ACMG classification criteria: PM2 moderate, PP3 supporting